The following is an entry in ClinVar:

ClinVar aggregate classification (germline): Pathogenic. Review status: criteria provided, multiple submitters, no conflicts (2 of 4 stars). 8 submissions from 8 submitters: Pathogenic (6). 2 of the submissions do not count toward it. Last evaluated 2026-09-29.

Conditions:
MYO7A-related disorder. Also called: MYO7A-related disorders.
Usher syndrome type 1B (USH1B). Also called: Usher syndrome type IB. Identifiers: MedGen C1848638, MONDO:0700087.
Autosomal recessive nonsyndromic hearing loss 2. Also called: DEAFNESS, AUTOSOMAL RECESSIVE 2; NEUROSENSORY NONSYNDROMIC RECESSIVE DEAFNESS 2. Identifiers: Orphanet 90636, MedGen C1838701, MONDO:0010807, OMIM 600060.
Usher syndrome type 1 (USH1). Also called: RETINITIS PIGMENTOSA AND CONGENITAL DEAFNESS. Identifiers: Orphanet 231169, Orphanet 886, MedGen C1568247, MONDO:0010168, OMIM 276900.

Allele frequency attached by ClinVar (database versions not stated): gnomAD 0.00001; gnomAD exomes 0.00001; TOPMed 0.00001.

Submissions (8):

GeneDx
Classification: Pathogenic. Last evaluated: 2026-09-29. Review status: criteria provided, single submitter. Criteria: GeneDx Variant Classification Process June 2021. Collection method: clinical testing. Allele origin: germline.
Comment: Observed with a pathogenic variant in individuals in the literature with some features of an MYO7A-related disorder (PMID: 33089500, 26969326); Frameshift variant predicted to result in protein truncation or nonsense mediated decay in a gene for which loss of function is a known mechanism of disease; Not observed at significant frequency in large population cohorts (gnomAD); This variant is associated with the following publications: (PMID: 26969326, 33089500, 25425308)

Labcorp Genetics (formerly Invitae), Labcorp
Classification: Pathogenic. Last evaluated: 2026-01-18. Review status: criteria provided, single submitter. Criteria: Invitae Variant Classification Sherloc (09022015). Collection method: clinical testing. Allele origin: germline.
Comment: This sequence change creates a premature translational stop signal (p.Asp75Glufs*65) in the MYO7A gene. It is expected to result in an absent or disrupted protein product. Loss-of-function variants in MYO7A are known to be pathogenic (PMID: 8900236, 25404053). This variant is present in population databases (no rsID available, gnomAD 0.007%). This premature translational stop signal has been observed in individual(s) with clinical features of Usher syndrome (PMID: 26969326). ClinVar contains an entry for this variant (Variation ID: 553215). For these reasons, this variant has been classified as Pathogenic.

Natera, Inc.
Classification: Pathogenic for Usher syndrome type 1B. Last evaluated: 2025-11-03. Review status: criteria provided, single submitter. Criteria: Natera Variant Classification Schema (03/2026). Collection method: clinical testing. Allele origin: germline.
Comment: The c.224dupA variant in MYO7A is a frameshift variant predicted to shift the reading frame beginning at codon 75 and leads to a stop codon 65 codons downstream. This variant is expected to result in nonsense mediated decay, truncation, or a dysfunctional protein product. This variant is rare in the general population with a frequency below the threshold expected for the associated phenotype(s). This variant has been observed in one or more individuals affected with the associated recessive disease, as either homozygous or compound heterozygous with a second variant (PMID: 33089500, 26969326). Given the available evidence, this variant is classified as Pathogenic.

Variantyx, Inc.
Classification: Pathogenic for Usher syndrome type 1. Last evaluated: 2025-03-19. Review status: criteria provided, single submitter. Criteria: Variantyx Assertion Criteria 2022. Collection method: clinical testing. Allele origin: maternal. Inheritance: Autosomal recessive inheritance.
Comment: This is a frameshift variant in the MYO7A gene (OMIM: 276903). Pathogenic variants in this gene have been associated with autosomal recessive Usher syndrome type IB. This variant introduces a premature termination codon in exon 4 out of 49. It is expected to result in loss of function, which is a known disease mechanism for MYO7A (PMID:9382091, 8900236, 25404053) (PVS1). This variant has been reported in the compound heterozygous state in at least 3 unrelated affected individuals (PMID: 33089500, 25425308, 26969326) (PM3). This variant has a 0.0009% maximum allele frequency in non-founder control populations (PM2). Based on the current evidence, this variant is classified as pathogenic for autosomal recessive Usher syndrome type IB.

Revvity Omics, Revvity
Classification: Pathogenic. Last evaluated: 2023-02-10. Review status: criteria provided, single submitter. Criteria: ACMG Guidelines, 2015. Collection method: clinical testing. Allele origin: germline.

Blueprint Genetics
Classification: Pathogenic for MYO7A-related disorders. Last evaluated: 2018-03-08. Review status: criteria provided, single submitter. Criteria: ACMG Guidelines, 2015. Collection method: clinical testing. Allele origin: germline. Affected: yes. Observed: 1 variant allele.

PreventionGenetics, part of Exact Sciences
Classification: Pathogenic for MYO7A-related condition. Last evaluated: 2024-09-05. Review status: no assertion criteria provided. Collection method: clinical testing. Allele origin: germline. Not counted in ClinVar's aggregate classification.
Comment: The MYO7A c.224dupA variant is predicted to result in a frameshift and premature protein termination (p.Asp75Glufs*65). This variant was reported along with a second potentially causative variant in individuals with hearing loss or Usher syndrome (Table S3, Sloan-Heggen et al. 2016. PubMed ID: 26969326; Wafa et al. 2020. PubMed ID: 33089500). This variant is reported in 0.0065% of alleles in individuals of European (Non-Finnish) descent in gnomAD. Frameshift variants in MYO7A are expected to be pathogenic. This variant is interpreted as pathogenic.

Counsyl
Classification: Likely pathogenic for Usher syndrome type 1; Autosomal recessive nonsyndromic hearing loss 2. Last evaluated: 2017-08-08. Review status: no assertion criteria provided. Collection method: clinical testing. Allele origin: unknown. Not counted in ClinVar's aggregate classification.

Literature cited by the submitters: PubMed 8900236 (cited by Labcorp Genetics (formerly Invitae), Labcorp and Variantyx, Inc.); PubMed 25404053 (cited by Labcorp Genetics (formerly Invitae), Labcorp and Variantyx, Inc.); PubMed 26969326 (cited by 4 submitters); PubMed 33089500 (cited by Natera, Inc. and Variantyx, Inc.); PubMed 9382091 (cited by Variantyx, Inc.); PubMed 25425308 (cited by Variantyx, Inc.).

NM_000260.4(MYO7A):c.224dup (p.Asp75fs)

Gene: MYO7A (myosin VIIA; plus strand). Cytogenetic location: 11q13.5.
Variant type: Duplication.
Coding change: c.224dup on transcript NM_000260.4 (MANE Select); coding-DNA position 224, one base duplicated (A; older notation c.224dupA).
Protein change: p.Asp75fs; shifts the reading frame from aspartic acid 75.
Molecular consequence: frameshift variant.
Genome position (GRCh38, 1-based): chr11:77,147,889, A duplicated. VCF-style (leftmost placement, unchanged base first): chr11-77147888-G-GA. GRCh37 (hg19) VCF-style: chr11-76858934-G-GA.
Other names: c.224dupA (NM_000260.3); c.224dup, p.Asp75fs (NM_001127180.2); c.191dup, p.Asp64fs (NM_001369365.1); c.224dup (NM_000260.3); short protein forms D64fs, D75fs.
Identifiers: ClinVar variation 553215 (VCV000553215.21), dbSNP rs1224819887, ClinGen allele CA600342783.